The following is an entry in ClinVar:

ClinVar aggregate classification (germline): Uncertain significance. Review status: criteria provided, single submitter (1 of 4 stars). 2 submissions from 2 submitters: Uncertain significance (1). 1 of the submissions does not count toward it. Last evaluated 2025-11-01.

Conditions:
Autosomal recessive osteopetrosis 1. Also called: TCIRG1-Related Autosomal Recessive Osteopetrosis; TCIRG1-Related Osteopetrosis; ALBERS-SCHONBERG DISEASE, AUTOSOMAL RECESSIVE. Identifiers: Orphanet 667, MedGen C1850127, MONDO:0009815, OMIM 259700.

Allele frequency attached by ClinVar (database versions not stated): ExAC below 0.00001; gnomAD exomes below 0.00001 and 0.00001.
gnomAD v4.1: 2 of 1,563,486 alleles (0.00013%); highest among the groups gnomAD compares: East Asian, 0.0024%; no homozygotes.

Submissions (2):

Labcorp Genetics (formerly Invitae), Labcorp
Classification: Uncertain significance. Last evaluated: 2025-11-01. Review status: criteria provided, single submitter. Criteria: Invitae Variant Classification Sherloc (09022015). Collection method: clinical testing. Allele origin: germline.
Comment: This sequence change replaces histidine, which is basic and polar, with arginine, which is basic and polar, at codon 242 of the TCIRG1 protein (p.His242Arg). The frequency data for this variant in the population databases is considered unreliable, as metrics indicate poor data quality at this position in the gnomAD database. This missense change has been observed in individual(s) with osteopetrosis type II (PMID: 23412864). ClinVar contains an entry for this variant (Variation ID: 552470). Invitae Evidence Modeling of protein sequence and biophysical properties (such as structural, functional, and spatial information, amino acid conservation, physicochemical variation, residue mobility, and thermodynamic stability) indicates that this missense variant is not expected to disrupt TCIRG1 protein function with a negative predictive value of 80%. In summary, the available evidence is currently insufficient to determine the role of this variant in disease. Therefore, it has been classified as a Variant of Uncertain Significance.

Counsyl
Classification: Uncertain significance for Autosomal recessive osteopetrosis 1. Last evaluated: 2017-06-12. Review status: no assertion criteria provided. Collection method: clinical testing. Allele origin: unknown. Not counted in ClinVar's aggregate classification.

Literature cited by the submitters: PubMed 23412864 (cited by Labcorp Genetics (formerly Invitae), Labcorp and Counsyl).

NM_006019.4(TCIRG1):c.725A>G (p.His242Arg)

Gene: TCIRG1 (T cell immune regulator 1, ATPase H+ transporting V0 subunit a3; plus strand). Cytogenetic location: 11q13.2.
Variant type: single nucleotide variant.
Coding change: c.725A>G on transcript NM_006019.4 (MANE Select); coding-DNA position 725, A replaced by G.
Protein change: p.His242Arg; replaces histidine 242 with arginine.
Molecular consequence: missense variant. On other transcripts: 5 prime UTR variant (1).
Genome position (GRCh38, 1-based): chr11:68,043,825, A>G. VCF-style: chr11-68043825-A-G. GRCh37 (hg19) VCF-style: chr11-67811292-A-G.
Other names: c.-170A>G (NM_001351059.2); c.77A>G, p.His26Arg (NM_006053.4); short protein forms H242R, H26R.
Identifiers: ClinVar variation 552470 (VCV000552470.4), dbSNP rs759557477, ClinGen allele CA6146801.